The following is an entry in ClinVar:

ClinVar aggregate classification (germline): Uncertain significance. Review status: criteria provided, multiple submitters, no conflicts (2 of 4 stars). 2 submissions from 2 submitters: Uncertain significance (2). Last evaluated 2026-03-01.

Conditions:
Microcephaly-intellectual disability-sensorineural hearing loss-epilepsy-abnormal muscle tone syndrome (NEDHSB). Also called: NEURODEVELOPMENTAL DISORDER WITH HEARING LOSS, SEIZURES, AND BRAIN ABNORMALITIES. Identifiers: Orphanet 457351, MedGen C4225276, MONDO:0014698, OMIM 616577.

Allele frequency attached by ClinVar (database versions not stated): TOPMed below 0.00001; ExAC 0.00001; gnomAD 0.00001; gnomAD exomes 0.00001.
gnomAD v4.1: 11 of 1,611,570 alleles (0.00068%); highest among the groups gnomAD compares: South Asian, 0.0044%; no homozygotes.

Submissions (2):

CeGaT Center for Human Genetics Tuebingen
Classification: Uncertain significance. Last evaluated: 2026-03-01. Review status: criteria provided, single submitter. Criteria: CeGaT Center For Human Genetics Tuebingen Variant Classification Criteria Version 2. Collection method: clinical testing. Allele origin: germline. Affected: yes. Observed: 1 variant allele.
Comment: AFG2A: PM2

Labcorp Genetics (formerly Invitae), Labcorp
Classification: Uncertain significance for Microcephaly-intellectual disability-sensorineural hearing loss-epilepsy-abnormal muscle tone syndrome. Last evaluated: 2018-07-27. Review status: criteria provided, single submitter. Criteria: Invitae Variant Classification Sherloc (09022015). Collection method: clinical testing. Allele origin: germline.
Comment: In summary, the available evidence is currently insufficient to determine the role of this variant in disease. Therefore, it has been classified as a Variant of Uncertain Significance. Algorithms developed to predict the effect of missense changes on protein structure and function (SIFT, PolyPhen-2, Align-GVGD) all suggest that this variant is likely to be disruptive, but these predictions have not been confirmed by published functional studies and their clinical significance is uncertain. This variant has not been reported in the literature in individuals with SPATA5-related disease. This variant is present in population databases (rs778362935, ExAC 0.006%). This sequence change replaces alanine with valine at codon 137 of the SPATA5 protein (p.Ala137Val). The alanine residue is highly conserved and there is a small physicochemical difference between alanine and valine.

NM_145207.3(AFG2A):c.410C>T (p.Ala137Val)

Gene: AFG2A (AAA ATPase AFG2A; plus strand). Cytogenetic location: 4q28.1.
Variant type: single nucleotide variant.
Coding change: c.410C>T on transcript NM_145207.3 (MANE Select); coding-DNA position 410, C replaced by T.
Protein change: p.Ala137Val; replaces alanine 137 with valine.
Molecular consequence: missense variant.
Genome position (GRCh38, 1-based): chr4:122,929,161, C>T. VCF-style: chr4-122929161-C-T. GRCh37 (hg19) VCF-style: chr4-123850316-C-T.
Other names: c.407C>T, p.Ala136Val (NM_001317799.2, NM_001345856.2); short protein forms A137V, A136V.
Identifiers: ClinVar variation 658490 (VCV000658490.9), dbSNP rs778362935, ClinGen allele CA3070200.
Genomic context (GRCh38, chr4:122,929,161, plus strand): 5'-CACAGAAAAATGTGGGTGTGAGGCCTGGTGATGCCATCCAGGTCCAGCCTCTTGTGGGTG[C>T]TGTGCTACAGGCTGAGGAAATGGATGTGGCACTGAGGTTTGGCTCTTTTCTTTGGTGACT-3'
Protein context (NP_660208.2, residues 127-147): DAIQVQPLVG[Ala137Val]VLQAEEMDVA